The following is an entry in ClinVar:

ClinVar aggregate classification (germline): Likely pathogenic (1 of 4 stars; one submission).

Submission:

GeneDx
Classification: Likely pathogenic. Last evaluated: 2016-11-17. Review status: criteria provided, single submitter. Criteria: GeneDx Variant Classification (06012015). Collection method: clinical testing. Allele origin: germline. Affected: yes.
Comment: The G156V variant has not been published as a pathogenic variant, nor has it been reported as a benign variant to our knowledge. This variant was observed to segregate in multiple family members with Darier disease at GeneDx. It was not observed in approximately 6,500 individuals of European and African American ancestry in the NHLBI Exome Sequencing Project, indicating it is not a common benign variant in these populations. G156V is a conservative amino acid substitution, which is not likely to impact secondary protein structure as these residues share similar properties. Additionally, this substitution occurs at a position that is conserved across species. However, in silico analysis predicts this variant is probably damaging to the protein structure/function. Therefore, this variant is likely pathogenic; however, the possibility that it is benign cannot be excluded.

NM_170665.4(ATP2A2):c.467G>T (p.Gly156Val)

Gene: ATP2A2 (ATPase sarcoplasmic/endoplasmic reticulum Ca2+ transporting 2; plus strand). Cytogenetic location: 12q24.11.
Variant type: single nucleotide variant.
Coding change: c.467G>T on transcript NM_170665.4 (MANE Select); coding-DNA position 467, G replaced by T.
Protein change: p.Gly156Val; replaces glycine 156 with valine.
Molecular consequence: missense variant.
Genome position (GRCh38, 1-based): chr12:110,322,995, G>T. VCF-style: chr12-110322995-G-T. GRCh37 (hg19) VCF-style: chr12-110760800-G-T.
Other names: c.467G>T, p.Gly156Val (NM_001681.4); short protein forms G156V.
Identifiers: ClinVar variation 373006 (VCV000373006.1), dbSNP rs1057518135, ClinGen allele CA16042856.